The following is an entry in ClinVar:

NM_017460.6(CYP3A4):c.200A>G (p.Lys67Arg)

Gene: CYP3A4 (cytochrome P450 family 3 subfamily A member 4; minus strand). Cytogenetic location: 7q22.1.
Variant type: single nucleotide variant.
Coding change: c.200A>G on transcript NM_017460.6 (MANE Select); coding-DNA position 200, A replaced by G.
Protein change: p.Lys67Arg; replaces lysine 67 with arginine.
Molecular consequence: missense variant.
Genome position (GRCh38, 1-based): chr7:99,778,046, T>C on the plus strand (A>G on the coding strand, the complement: CYP3A4 is on the minus strand). VCF-style: chr7-99778046-T-C. GRCh37 (hg19) VCF-style: chr7-99375669-T-C.
Other names: NC_000007.13:g.99375669T>C; c.200A>G, p.Lys67Arg (NM_001202855.3); c.200A>G (NM_017460.5); short protein forms K67R.
Identifiers: ClinVar variation 4341346 (VCV004341346.2).

ClinVar aggregate classification (germline): Uncertain significance (1 of 4 stars; one submission).

Conditions:
CYP3A4-related disorder. Also called: CYP3A4-related condition.

gnomAD v4.1: 172 of 1,612,714 alleles (0.011%); highest among the groups gnomAD compares: Non-Finnish European, 0.013%; no homozygotes.

Submissions (2):

PreventionGenetics, part of Exact Sciences
Classification: Uncertain significance for CYP3A4-related condition. Last evaluated: 2024-11-05. Review status: criteria provided, single submitter. Criteria: ACMG Guidelines, 2015. Collection method: clinical testing. Allele origin: germline.
Comment: The CYP3A4 c.200A>G variant is predicted to result in the amino acid substitution p.Lys67Arg. To our knowledge, this variant has not been reported in the literature. This variant is reported in 0.015% of alleles in individuals of European (Non-Finnish) descent in gnomAD. At this time, the clinical significance of this variant is uncertain due to the absence of conclusive functional and genetic evidence.

Dr. Peter K. Rogan Lab, Western University
No classification provided (evidence only). Condition: Malignant tumor of esophagus. Review status: no classification provided. Collection method: in vitro. Allele origin: not applicable. Functional consequence: retained intron. Not counted in ClinVar's aggregate classification.